The following is an entry in ClinVar:

NM_000038.6(APC):c.4492G>A (p.Asp1498Asn)

Gene: APC (APC regulator of Wnt signaling pathway; plus strand). Cytogenetic location: 5q22.2.
Variant type: single nucleotide variant.
Coding change: c.4492G>A on transcript NM_000038.6 (MANE Select); coding-DNA position 4492, G replaced by A.
Protein change: p.Asp1498Asn; replaces aspartic acid 1498 with asparagine.
Molecular consequence: missense variant.
Genome position (GRCh38, 1-based): chr5:112,840,086, G>A. VCF-style: chr5-112840086-G-A. GRCh37 (hg19) VCF-style: chr5-112175783-G-A.
Other names: c.4492G>A, p.Asp1498Asn (NM_001127510.3, NM_001354895.2); c.4438G>A, p.Asp1480Asn (NM_001127511.3); c.4546G>A, p.Asp1516Asn (NM_001354896.2); c.4522G>A, p.Asp1508Asn (NM_001354897.2); c.4417G>A, p.Asp1473Asn (NM_001354898.2); c.4408G>A, p.Asp1470Asn (NM_001354899.2); c.4369G>A, p.Asp1457Asn (NM_001354900.2); c.4315G>A, p.Asp1439Asn (NM_001354901.2); and 5 more; short protein forms D1480N, D1498N, D1215N, D1372N, D1397N, D1439N, D1457N, D1338N.
Identifiers: ClinVar variation 411425 (VCV000411425.52), dbSNP rs1060503298, ClinGen allele CA16031162.

ClinVar aggregate classification (germline): Uncertain significance. Review status: criteria provided, multiple submitters, no conflicts (2 of 4 stars). 5 submissions from 5 submitters: Uncertain significance (5). Last evaluated 2024-10-29.

Conditions:
Hereditary cancer-predisposing syndrome. Also called: Tumor predisposition; Hereditary Cancer Syndrome; Hereditary neoplastic syndrome; Neoplastic Syndromes, Hereditary. Identifiers: Orphanet 140162, MedGen C0027672, MeSH D009386, MONDO:0015356.
Familial adenomatous polyposis 1 (FAP1). Also called: FAMILIAL ADENOMATOUS POLYPOSIS 1, ATTENUATED; POLYPOSIS, ADENOMATOUS INTESTINAL. Identifiers: MedGen C2713442, MONDO:0021056, OMIM 175100. Disease mechanism: loss of function.
Classic or attenuated familial adenomatous polyposis. Identifiers: MedGen CN372698, MONDO:0021057.

Allele frequency attached by ClinVar (database versions not stated): gnomAD exomes below 0.00001.
gnomAD v4.1: 1 of 1,614,162 alleles (0.000062%); highest among the groups gnomAD compares: South Asian, 0.0011%; no homozygotes.

Submissions (5):

Color Diagnostics, LLC DBA Color Health
Classification: Uncertain significance for Hereditary cancer-predisposing syndrome. Last evaluated: 2024-10-29. Review status: criteria provided, single submitter. Criteria: ACMG Guidelines, 2015. Collection method: clinical testing. Allele origin: germline.
Comment: This missense variant replaces aspartic acid with asparagine at codon 1498 of the APC protein. Computational prediction suggests that this variant may not impact protein structure and function (internally defined REVEL score threshold <= 0.5, PMID: 27666373). To our knowledge, functional studies have not been reported for this variant. This variant has not been reported in individuals affected with APC-related disorders in the literature. This variant has not been identified in the general population by the Genome Aggregation Database (gnomAD). The available evidence is insufficient to determine the role of this variant in disease conclusively. Therefore, this variant is classified as a Variant of Uncertain Significance.

All of Us Research Program, National Institutes of Health
Classification: Uncertain significance for Classic or attenuated familial adenomatous polyposis. Last evaluated: 2024-05-17. Review status: criteria provided, single submitter. Criteria: ACMG Guidelines, 2015. Collection method: clinical testing. Allele origin: germline. Inheritance: Autosomal dominant inheritance. Observed: 1 variant allele, 1 heterozygote.
Comment: This missense variant replaces aspartic acid with asparagine at codon 1498 of the APC protein. Computational prediction tool suggests that this variant may not impact protein structure and function (internally defined REVEL score threshold <=0.5, PMID: 27666373). Splice site prediction tools suggest that this variant may not impact RNA splicing. To our knowledge, functional studies have not been performed for this variant. This variant has not been reported in individuals affected with hereditary cancer in the literature. This variant has not been identified in the general population by the Genome Aggregation Database (gnomAD). The available evidence is insufficient to determine the role of this variant in disease conclusively. Therefore, this variant is classified as a Variant of Uncertain Significance.

This study involves interpretation of variants in research participants for the purpose of population health screening. Participant phenotype was not available at the time of variant classification. Additional details can be found in publication PMID: 35346344, PMCID: PMC8962531

Ambry Genetics
Classification: Uncertain significance for Hereditary cancer-predisposing syndrome. Last evaluated: 2024-03-29. Review status: criteria provided, single submitter. Criteria: Ambry Variant Classification Scheme 2023. Collection method: clinical testing. Allele origin: germline.
Comment: The p.D1498N variant (also known as c.4492G>A), located in coding exon 15 of the APC gene, results from a G to A substitution at nucleotide position 4492. The aspartic acid at codon 1498 is replaced by asparagine, an amino acid with highly similar properties. This amino acid position is well conserved in available vertebrate species. In addition, in silico predictors for this gene do not accurately predict pathogenicity. Based on the available evidence, the clinical significance of this alteration remains unclear.

Baylor Genetics
Classification: Uncertain significance for Familial adenomatous polyposis 1. Last evaluated: 2023-11-14. Review status: criteria provided, single submitter. Criteria: ACMG Guidelines, 2015. Collection method: clinical testing. Allele origin: unknown.

Labcorp Genetics (formerly Invitae), Labcorp
Classification: Uncertain significance for Familial adenomatous polyposis 1. Last evaluated: 2023-03-16. Review status: criteria provided, single submitter. Criteria: Invitae Variant Classification Sherloc (09022015). Collection method: clinical testing. Allele origin: germline.
Comment: This variant has not been reported in the literature in individuals affected with APC-related conditions. ClinVar contains an entry for this variant (Variation ID: 411425). Advanced modeling of protein sequence and biophysical properties (such as structural, functional, and spatial information, amino acid conservation, physicochemical variation, residue mobility, and thermodynamic stability) performed at Invitae indicates that this missense variant is not expected to disrupt APC protein function. In summary, the available evidence is currently insufficient to determine the role of this variant in disease. Therefore, it has been classified as a Variant of Uncertain Significance. This variant is not present in population databases (gnomAD no frequency). This sequence change replaces aspartic acid, which is acidic and polar, with asparagine, which is neutral and polar, at codon 1498 of the APC protein (p.Asp1498Asn).